The following is an entry in ClinVar:

ClinVar aggregate classification (germline): Conflicting classifications of pathogenicity. Review status: criteria provided, conflicting classifications (1 of 4 stars). 8 submissions from 8 submitters: Uncertain significance (1); Benign (3); Likely benign (4). Last evaluated 2026-01-13.

Conditions:
Hereditary cancer-predisposing syndrome. Also called: Tumor predisposition; Neoplastic Syndromes, Hereditary; Hereditary Cancer Syndrome; Hereditary neoplastic syndrome. Identifiers: Orphanet 140162, MedGen C0027672, MeSH D009386, MONDO:0015356.
Tuberous sclerosis syndrome (TSC). Also called: Tuberous Sclerosis Complex; Tuberous sclerosis. Identifiers: Orphanet 805, MedGen C0041341, MONDO:0001734.
Tuberous sclerosis 2 (TSC2). Identifiers: Orphanet 805, MedGen C1860707, MONDO:0013199, OMIM 613254.

Allele frequency attached by ClinVar (database versions not stated): gnomAD 0.00001 and 0.00002; TOPMed 0.00001; gnomAD exomes 0.00002 and 0.00003; ExAC 0.00003.
gnomAD v4.1: 57 of 1,612,626 alleles (0.0035%); highest among the groups gnomAD compares: Non-Finnish European, 0.0044%; no homozygotes.

Submissions (8):

Labcorp Genetics (formerly Invitae), Labcorp
Classification: Benign for Tuberous sclerosis 2. Last evaluated: 2026-01-13. Review status: criteria provided, single submitter. Criteria: Invitae Variant Classification Sherloc (09022015). Collection method: clinical testing. Allele origin: germline.

Myriad Genetics, Inc.
Classification: Benign for Tuberous sclerosis 2. Last evaluated: 2025-06-04. Review status: criteria provided, single submitter. Criteria: Myriad Autosomal Dominant, Autosomal Recessive and X-Linked Classification Criteria (2023). Collection method: clinical testing. Allele origin: unknown.
Comment: This variant is considered benign. This variant is a silent/synonymous amino acid change and it is not expected to impact splicing.

All of Us Research Program, National Institutes of Health
Classification: Likely benign for Tuberous sclerosis syndrome. Last evaluated: 2023-12-13. Review status: criteria provided, single submitter. Criteria: ACMG Guidelines, 2015. Collection method: clinical testing. Allele origin: germline. Inheritance: Autosomal dominant inheritance. Observed: 9 variant alleles, 9 heterozygotes.
Comment: This study involves interpretation of variants in research participants for the purpose of population health screening. Participant phenotype was not available at the time of variant classification. Additional details can be found in publication PMID: 35346344, PMCID: PMC8962531

Color Diagnostics, LLC DBA Color Health
Classification: Likely benign for Tuberous sclerosis syndrome. Last evaluated: 2022-11-16. Review status: criteria provided, single submitter. Criteria: ACMG Guidelines, 2015. Collection method: clinical testing. Allele origin: germline.

Blueprint Genetics
Classification: Likely benign. Last evaluated: 2022-04-01. Review status: criteria provided, single submitter. Criteria: ACMG Guidelines, 2015. Collection method: clinical testing. Allele origin: germline.

Sema4
Classification: Uncertain significance for Hereditary cancer-predisposing syndrome. Last evaluated: 2022-03-16. Review status: criteria provided, single submitter. Criteria: Sema4 Curation Guidelines. Collection method: curation. Allele origin: germline.
Comment: The TSC2 c.4617A>G (p.S1539=) variant has not been reported in the literature to our knowledge. This variant was observed in 5/128030 chromosomes in the Non-Finnish European population according to the Genome Aggregation Database (PMID: 32461654). The variant has been reported in ClinVar (Variation ID: 220843). In silico tools suggest this variant may lead to the creation of a cryptic splice donor site, though these predictions have not been confirmed by functional studies. The evidence is insufficient to meet ACMG/AMP criteria for classifying the variant as benign or pathogenic. Thus, the clinical significance of this variant is currently uncertain.

Genome-Nilou Lab
Classification: Benign for Tuberous sclerosis 2. Last evaluated: 2021-11-07. Review status: criteria provided, single submitter. Criteria: ACMG Guidelines, 2015. Collection method: clinical testing. Allele origin: germline. Affected: no.

Ambry Genetics
Classification: Likely benign for Hereditary cancer-predisposing syndrome. Last evaluated: 2015-05-21. Review status: criteria provided, single submitter. Criteria: Ambry Variant Classification Scheme 2023. Collection method: clinical testing. Allele origin: germline.

NM_000548.5(TSC2):c.4617A>G (p.Ser1539=)

Gene: TSC2 (TSC complex subunit 2; plus strand). Cytogenetic location: 16p13.3.
Variant type: single nucleotide variant.
Coding change: c.4617A>G on transcript NM_000548.5 (MANE Select); coding-DNA position 4617, A replaced by G.
Protein change: p.Ser1539=; no amino-acid change (serine 1539 retained).
Molecular consequence: synonymous variant.
Genome position (GRCh38, 1-based): chr16:2,085,277, A>G. VCF-style: chr16-2085277-A-G. GRCh37 (hg19) VCF-style: chr16-2135278-A-G.
Other names: c.4416A>G, p.Ser1472= (NM_001077183.3); c.4548A>G, p.Ser1516= (NM_001114382.3); c.4308A>G, p.Ser1436= (NM_001318827.2); c.4272A>G, p.Ser1424= (NM_001318829.2); c.3885A>G, p.Ser1295= (NM_001318831.2); c.4449A>G, p.Ser1483= (NM_001318832.2); c.4419A>G, p.Ser1473= (NM_001363528.2); c.4485A>G, p.Ser1495= (NM_001370404.1); and 1 more.
Identifiers: ClinVar variation 220843 (VCV000220843.23), dbSNP rs201038907, ClinGen allele CA051956.